The following is an entry in ClinVar:

ClinVar aggregate classification (germline): Benign. Review status: criteria provided, multiple submitters, no conflicts (2 of 4 stars). 6 submissions from 6 submitters: Benign (6). Last evaluated 2026-01-28.

Conditions:
Charcot-Marie-Tooth disease axonal type 2S. Also called: CHARCOT-MARIE-TOOTH NEUROPATHY, TYPE 2S; CHARCOT-MARIE-TOOTH DISEASE, AXONAL, AUTOSOMAL RECESSIVE, TYPE 2S. Identifiers: Orphanet 443073, MedGen C4015349, MONDO:0014511, OMIM 616155.
Autosomal recessive distal spinal muscular atrophy 1. Also called: HMN VI; NEURONOPATHY, SEVERE INFANTILE AXONAL, WITH RESPIRATORY FAILURE; SEVERE INFANTILE AXONAL NEUROPATHY WITH RESPIRATORY FAILURE; SPINAL MUSCULAR ATROPHY, DIAPHRAGMATIC; Spinal muscular atrophy with respiratory distress 1; NEURONOPATHY, DISTAL HEREDITARY MOTOR, HARDING TYPE VI. Identifiers: Orphanet 98920, MedGen C1858517, MONDO:0011436, OMIM 604320.
Charcot-Marie-Tooth disease. Also called: Charcot-Marie-Tooth Hereditary Neuropathy; Charcot-Marie-Tooth Neuropathy. Identifiers: Orphanet 166, MedGen C0007959, MONDO:0015626.

Allele frequency attached by ClinVar (database versions not stated): ExAC 0.00158; 1000 Genomes Project 30x 0.00390; 1000 Genomes Project 0.00399; ESP Exome Variant Server 0.00439; gnomAD 0.00460 and 0.00494; TOPMed 0.00540.
gnomAD v4.1: 1,807 of 1,614,134 alleles (0.11%); highest among the groups gnomAD compares: African/African-American, 1.5%; 9 homozygotes.

Submissions (6):

Labcorp Genetics (formerly Invitae), Labcorp
Classification: Benign for Autosomal recessive distal spinal muscular atrophy 1; Charcot-Marie-Tooth disease axonal type 2S. Last evaluated: 2026-01-28. Review status: criteria provided, single submitter. Criteria: Invitae Variant Classification Sherloc (09022015). Collection method: clinical testing. Allele origin: germline.

CeGaT Center for Human Genetics Tuebingen
Classification: Benign. Last evaluated: 2023-02-01. Review status: criteria provided, single submitter. Criteria: CeGaT Center For Human Genetics Tuebingen Variant Classification Criteria Version 2. Collection method: clinical testing. Allele origin: germline. Affected: yes. Observed: 1 variant allele.
Comment: IGHMBP2: BP4, BS1, BS2

Illumina Laboratory Services, Illumina
Classification: Benign for Autosomal recessive distal spinal muscular atrophy 1. Last evaluated: 2018-01-13. Review status: criteria provided, single submitter. Criteria: ICSL Variant Classification Criteria 13 December 2019. Collection method: clinical testing. Allele origin: germline.
Comment: This variant was observed in the ICSL laboratory as part of a predisposition screen in an ostensibly healthy population. It had not been previously curated by ICSL or reported in the Human Gene Mutation Database (HGMD: prior to June 1st, 2018), and was therefore a candidate for classification through an automated scoring system. Utilizing variant allele frequency, disease prevalence and penetrance estimates, and inheritance mode, an automated score was calculated to assess if this variant is too frequent to cause the disease. Based on the score and internal cut-off values, a variant classified as benign is not then subjected to further curation. The score for this variant resulted in a classification of benign for this disease.

GeneDx
Classification: Benign. Last evaluated: 2015-03-03. Review status: criteria provided, single submitter. Criteria: GeneDx Variant Classification Process June 2021. Collection method: clinical testing. Allele origin: germline. Affected: yes.

Molecular Genetics Laboratory, London Health Sciences Centre
Classification: Benign for Charcot-Marie-Tooth disease. Review status: criteria provided, single submitter. Criteria: ACMG Guidelines, 2015. Collection method: clinical testing. Allele origin: germline. Affected: yes.

PreventionGenetics, part of Exact Sciences
Classification: Benign. Review status: criteria provided, single submitter. Criteria: ACMG Guidelines, 2015. Collection method: clinical testing. Allele origin: germline.

NM_002180.3(IGHMBP2):c.1939G>A (p.Val647Ile)

Gene: IGHMBP2 (immunoglobulin mu DNA binding protein 2; plus strand). Cytogenetic location: 11q13.3.
Variant type: single nucleotide variant.
Coding change: c.1939G>A on transcript NM_002180.3 (MANE Select); coding-DNA position 1939, G replaced by A.
Protein change: p.Val647Ile; replaces valine 647 with isoleucine.
Molecular consequence: missense variant.
Genome position (GRCh38, 1-based): chr11:68,936,419, G>A. VCF-style: chr11-68936419-G-A. GRCh37 (hg19) VCF-style: chr11-68703887-G-A.
Other names: short protein forms V647I.
Identifiers: ClinVar variation 258565 (VCV000258565.45), dbSNP rs77822399, ClinGen allele CA6153812.
Genomic context (GRCh38, chr11:68,936,419, plus strand): 5'-GTGGAGTATTTCACACAGCATGGGGAAGTACGCACGGCCTTTGAGTATCTTGACGATATT[G>A]TCCCAGAAAACTATTCCCATGAGAACTCCCAGGGTTCCAGCCACGCTGCCACCAAGCCCC-3'
Protein context (NP_002171.2, residues 637-657): RTAFEYLDDI[Val647Ile]PENYSHENSQ